The following is an entry in ClinVar:

NM_001113378.2(FANCI):c.2957_2969del (p.Val986fs)

Gene: FANCI (FA complementation group I; plus strand). Cytogenetic location: 15q26.1.
Variant type: Deletion.
Coding change: c.2957_2969del on transcript NM_001113378.2 (MANE Select); coding-DNA positions 2957 to 2969, 13 bases deleted (TCACGGTTCTTAC).
Protein change: p.Val986fs; shifts the reading frame from valine 986.
Molecular consequence: frameshift variant.
Genome position (GRCh38, 1-based): chr15:89,301,393-89,301,405, TCACGGTTCTTAC deleted. VCF-style (leftmost placement, unchanged base first): chr15-89301392-GTCACGGTTCTTAC-G. GRCh37 (hg19) VCF-style: chr15-89844623-GTCACGGTTCTTAC-G.
Other names: c.2678_2690del, p.Val893fs (NM_001376910.1); c.2957_2969del, p.Val986fs (NM_001376911.1); c.2777_2789del, p.Val926fs (NM_018193.3); c.2957_2969del13 (NM_001113378.2); short protein forms V893fs, V926fs, V986fs.
Identifiers: ClinVar variation 2675639 (VCV002675639.4), dbSNP rs762390984, ClinGen allele CA7723528.

ClinVar aggregate classification (germline): Pathogenic/Likely pathogenic. Review status: criteria provided, multiple submitters, no conflicts (2 of 4 stars). 3 submissions from 3 submitters: Pathogenic (2); Likely pathogenic (1). Last evaluated 2025-04-10.

Conditions:
Fanconi anemia (FA). Also called: Fanconi's anemia. Identifiers: Orphanet 84, MedGen C0015625, MeSH D005199, MONDO:0019391.
Fanconi anemia complementation group I (FANCI). Also called: FANCI-Related Fanconi Anemia. Identifiers: Orphanet 84, MedGen C1836861, MONDO:0012186, OMIM 609053.
FANCI-related disorders.

Allele frequency attached by ClinVar (database versions not stated): TOPMed 0.00001; gnomAD exomes 0.00008; gnomAD 0.00018; ExAC 0.00020.

Submissions (3):

Women's Health and Genetics/Laboratory Corporation of America, LabCorp
Classification: Pathogenic for Fanconi anemia. Last evaluated: 2025-04-10. Review status: criteria provided, single submitter. Criteria: LabCorp Variant Classification Summary - May 2015. Collection method: clinical testing. Allele origin: germline.
Comment: Variant summary: FANCI c.2957_2969del13 (p.Val986AlafsX39) results in a premature termination codon, predicted to cause a truncation of the encoded protein or absence of the protein due to nonsense mediated decay, which are commonly known mechanisms for disease. The variant allele was found at a frequency of 0.00027 in 251478 control chromosomes. This frequency is not significantly higher than estimated for a pathogenic variant in FANCI causing Fanconi Anemia (0.00027 vs 0.00028), allowing no conclusion about variant significance. c.2957_2969del13 has been reported in the literature in at least one individual affected with Fanconi Anemia (e.g. Mantere_2015). The following publication has been ascertained in the context of this evaluation (PMID: 24989076). ClinVar contains an entry for this variant (Variation ID: 2675639). Based on the evidence outlined above, the variant was classified as pathogenic.

Blueprint Genetics
Classification: Likely pathogenic for FANCI-related disorders. Last evaluated: 2024-11-07. Review status: criteria provided, single submitter. Criteria: ACMG Guidelines, 2015. Collection method: clinical testing. Allele origin: germline. Affected: yes. Observed: 5 variant alleles.

Baylor Genetics
Classification: Pathogenic for Fanconi anemia complementation group I. Last evaluated: 2023-01-10. Review status: criteria provided, single submitter. Criteria: ACMG Guidelines, 2015. Collection method: clinical testing. Allele origin: unknown.

Literature cited by the submitters: PubMed 24989076 (cited by Women's Health and Genetics/Laboratory Corporation of America, LabCorp).